The following is an entry in ClinVar:

ClinVar aggregate classification (germline): Uncertain significance. Review status: criteria provided, multiple submitters, no conflicts (2 of 4 stars). 3 submissions from 3 submitters: Uncertain significance (3). Last evaluated 2022-02-28.

Conditions:
Multiple mitochondrial dysfunctions syndrome 3 (MMDS3). Identifiers: Orphanet 363424, MedGen C3809165, MONDO:0014132, OMIM 615330.
Inborn genetic diseases. Identifiers: MedGen C0950123, MeSH D030342.
Hereditary spastic paraplegia 74. Also called: Spastic paraplegia 74, autosomal recessive. Identifiers: Orphanet 468661, MedGen C5568837, MONDO:0014644, OMIM 616451.

Allele frequency attached by ClinVar (database versions not stated): gnomAD 0.00001; gnomAD exomes 0.00001 and 0.00002; TOPMed 0.00001.

Submissions (3):

Ambry Genetics
Classification: Uncertain significance for Inborn genetic diseases. Last evaluated: 2022-02-28. Review status: criteria provided, single submitter. Criteria: Ambry Variant Classification Scheme 2023. Collection method: clinical testing. Allele origin: germline.

Labcorp Genetics (formerly Invitae), Labcorp
Classification: Uncertain significance for Multiple mitochondrial dysfunctions syndrome 3; Hereditary spastic paraplegia 74. Last evaluated: 2021-06-14. Review status: criteria provided, single submitter. Criteria: Invitae Variant Classification Sherloc (09022015). Collection method: clinical testing. Allele origin: germline.
Comment: In summary, the available evidence is currently insufficient to determine the role of this variant in disease. Therefore, it has been classified as a Variant of Uncertain Significance. Algorithms developed to predict the effect of missense changes on protein structure and function (SIFT, PolyPhen-2, Align-GVGD) all suggest that this variant is likely to be tolerated, but these predictions have not been confirmed by published functional studies and their clinical significance is uncertain. This variant has not been reported in the literature in individuals with IBA57-related conditions. ClinVar contains an entry for this variant (Variation ID: 1034361). The frequency data for this variant in the population databases is considered unreliable, as metrics indicate insufficient coverage at this position in the ExAC database. This sequence change replaces proline with leucine at codon 89 of the IBA57 protein (p.Pro89Leu). The proline residue is weakly conserved and there is a moderate physicochemical difference between proline and leucine.

Baylor Genetics
Classification: Uncertain significance for Multiple mitochondrial dysfunctions syndrome 3. Last evaluated: 2018-05-16. Review status: criteria provided, single submitter. Criteria: ACMG Guidelines, 2015. Collection method: clinical testing. Allele origin: unknown. Affected: yes.
Comment: This variant was determined to be of uncertain significance according to ACMG Guidelines, 2015 [PMID:25741868].

NM_001010867.4(IBA57):c.266C>T (p.Pro89Leu)

Gene: IBA57 (iron-sulfur cluster assembly factor IBA57; plus strand). Cytogenetic location: 1q42.13.
Variant type: single nucleotide variant.
Coding change: c.266C>T on transcript NM_001010867.4 (MANE Select); coding-DNA position 266, C replaced by T.
Protein change: p.Pro89Leu; replaces proline 89 with leucine.
Molecular consequence: missense variant.
Genome position (GRCh38, 1-based): chr1:228,166,082, C>T. VCF-style: chr1-228166082-C-T. GRCh37 (hg19) VCF-style: chr1-228353783-C-T.
Other names: short protein forms P89L.
Identifiers: ClinVar variation 1034361 (VCV001034361.9), dbSNP rs1191467500, ClinGen allele CA345106238.